The following is an entry in ClinVar:

NM_002226.5(JAG2):c.1188C>T (p.Ala396=)

Gene: JAG2 (jagged canonical Notch ligand 2; minus strand). Cytogenetic location: 14q32.33.
Variant type: single nucleotide variant.
Coding change: c.1188C>T on transcript NM_002226.5 (MANE Select); coding-DNA position 1188, C replaced by T.
Protein change: p.Ala396=; no amino-acid change (alanine 396 retained).
Molecular consequence: synonymous variant.
Genome position (GRCh38, 1-based): chr14:105,151,362, G>A on the plus strand (C>T on the coding strand, the complement: JAG2 is on the minus strand). VCF-style: chr14-105151362-G-A. GRCh37 (hg19) VCF-style: chr14-105617699-G-A.
Other names: c.1188C>T, p.Ala396= (NM_145159.3).
Identifiers: ClinVar variation 5041042 (VCV005041042.1).

ClinVar aggregate classification (germline): Likely benign (1 of 4 stars; one submission).

gnomAD v4.1: 139 of 1,612,130 alleles (0.0086%); highest among the groups gnomAD compares: South Asian, 0.085%; 2 homozygotes.

Submission:

CeGaT Center for Human Genetics Tuebingen
Classification: Likely benign. Last evaluated: 2026-09-01. Review status: criteria provided, single submitter. Criteria: CeGaT Center For Human Genetics Tuebingen Variant Classification Criteria Version 2. Collection method: clinical testing. Allele origin: germline. Affected: yes. Observed: 1 variant allele.
Comment: JAG2: BP4, BP7